The following is an entry in ClinVar:

ClinVar aggregate classification (germline): Conflicting classifications of pathogenicity. Review status: criteria provided, conflicting classifications (1 of 4 stars). 5 submissions from 5 submitters: Uncertain significance (3); Likely benign (1). 1 of the submissions does not count toward it. Last evaluated 2024-04-04.

Conditions:
Branchiootorenal syndrome 2 (BOR2). Identifiers: Orphanet 107, MedGen C1970479, MONDO:0012575, OMIM 610896.
SIX5-related disorder. Also called: SIX5-related condition.

Allele frequency attached by ClinVar (database versions not stated): ExAC 0.00007; TOPMed 0.00007; gnomAD 0.00009 and 0.00010; gnomAD exomes 0.00010 and 0.00013.

Submissions (5):

Fulgent Genetics
Classification: Uncertain significance for Branchiootorenal syndrome 2. Last evaluated: 2024-04-04. Review status: criteria provided, single submitter. Criteria: ACMG Guidelines, 2015. Collection method: clinical testing. Allele origin: germline.

Labcorp Genetics (formerly Invitae), Labcorp
Classification: Uncertain significance. Last evaluated: 2023-11-24. Review status: criteria provided, single submitter. Criteria: Invitae Variant Classification Sherloc (09022015). Collection method: clinical testing. Allele origin: germline.
Comment: This sequence change replaces glycine, which is neutral and non-polar, with valine, which is neutral and non-polar, at codon 364 of the SIX5 protein (p.Gly364Val). This variant is present in population databases (rs752238132, gnomAD 0.03%). This variant has not been reported in the literature in individuals affected with SIX5-related conditions. ClinVar contains an entry for this variant (Variation ID: 1315682). Advanced modeling of protein sequence and biophysical properties (such as structural, functional, and spatial information, amino acid conservation, physicochemical variation, residue mobility, and thermodynamic stability) performed at Invitae indicates that this missense variant is not expected to disrupt SIX5 protein function with a negative predictive value of 80%. In summary, the available evidence is currently insufficient to determine the role of this variant in disease. Therefore, it has been classified as a Variant of Uncertain Significance.

Ambry Genetics
Classification: Uncertain significance. Last evaluated: 2022-11-08. Review status: criteria provided, single submitter. Criteria: Ambry Variant Classification Scheme 2023. Collection method: clinical testing. Allele origin: germline.

GeneDx
Classification: Likely benign. Last evaluated: 2019-10-22. Review status: criteria provided, single submitter. Criteria: GeneDx Variant Classification Process June 2021. Collection method: clinical testing. Allele origin: germline. Affected: yes.
Comment: In silico analysis, which includes protein predictors and evolutionary conservation, supports that this variant does not alter protein structure/function; Has not been previously published as pathogenic or benign to our knowledge

PreventionGenetics, part of Exact Sciences
Classification: Likely benign for SIX5-related condition. Last evaluated: 2022-08-02. Review status: no assertion criteria provided. Collection method: clinical testing. Allele origin: germline. Not counted in ClinVar's aggregate classification.
Comment: This variant is classified as likely benign based on ACMG/AMP sequence variant interpretation guidelines (Richards et al. 2015 PMID: 25741868, with internal and published modifications).

NM_175875.5(SIX5):c.1091G>T (p.Gly364Val)

Genes: SIX5 (SIX homeobox 5; minus strand), LOC107075317 (origin of replication in DMPK trinucleotide repeat region; plus strand). Cytogenetic location: 19q13.32.
Variant type: single nucleotide variant.
Coding change: c.1091G>T on transcript NM_175875.5 (MANE Select); coding-DNA position 1091, G replaced by T.
Protein change: p.Gly364Val; replaces glycine 364 with valine.
Molecular consequence: missense variant.
Genome position (GRCh38, 1-based): chr19:45,766,868, C>A on the plus strand (G>T on the coding strand, the complement: SIX5 is on the minus strand). VCF-style: chr19-45766868-C-A. GRCh37 (hg19) VCF-style: chr19-46270126-C-A.
Other names: short protein forms G364V.
Identifiers: ClinVar variation 1315682 (VCV001315682.10), dbSNP rs752238132, ClinGen allele CA9520680.